The following is an entry in ClinVar:

ClinVar aggregate classification (germline): Conflicting classifications of pathogenicity. Review status: criteria provided, conflicting classifications (1 of 4 stars). 5 submissions from 5 submitters: Uncertain significance (1); Likely benign (4). Last evaluated 2025-11-04.

Conditions:
MYLK-related disorder. Also called: MYLK-related condition.
Aortic aneurysm, familial thoracic 7 (AAT7). Also called: AORTIC DISSECTION, FAMILIAL, WITH OR WITHOUT AORTIC ANEURYSM. Identifiers: MedGen C3151077, MONDO:0013418, OMIM 613780.
Familial thoracic aortic aneurysm and aortic dissection (TAAD). Also called: Thoracic aortic aneurysms and dissections. Identifiers: Orphanet 91387, MedGen C4707243, MONDO:0019625.

Allele frequency attached by ClinVar (database versions not stated): gnomAD 0.00001; gnomAD exomes 0.00001; TOPMed 0.00001.
gnomAD v4.1: 7 of 1,614,086 alleles (0.00043%); highest among the groups gnomAD compares: Middle Eastern, 0.016%; no homozygotes.

Submissions (5):

PreventionGenetics, part of Exact Sciences
Classification: Likely benign for MYLK-related condition. Last evaluated: 2025-11-04. Review status: criteria provided, single submitter. Criteria: ACMG Guidelines, 2015. Collection method: clinical testing. Allele origin: germline.
Comment: This variant is classified as likely benign based on ACMG/AMP sequence variant interpretation guidelines (Richards et al. 2015 PMID: 25741868, with internal and published modifications).

Women's Health and Genetics/Laboratory Corporation of America, LabCorp
Classification: Likely benign. Last evaluated: 2024-11-21. Review status: criteria provided, single submitter. Criteria: LabCorp Variant Classification Summary - May 2015. Collection method: clinical testing. Allele origin: germline.

Labcorp Genetics (formerly Invitae), Labcorp
Classification: Likely benign for Aortic aneurysm, familial thoracic 7. Last evaluated: 2024-03-14. Review status: criteria provided, single submitter. Criteria: Invitae Variant Classification Sherloc (09022015). Collection method: clinical testing. Allele origin: germline.

Ambry Genetics
Classification: Likely benign for Familial thoracic aortic aneurysm and aortic dissection. Last evaluated: 2023-03-20. Review status: criteria provided, single submitter. Criteria: Ambry Variant Classification Scheme 2023. Collection method: clinical testing. Allele origin: germline.

ARUP Laboratories, Molecular Genetics and Genomics, ARUP Laboratories
Classification: Uncertain significance. Last evaluated: 2020-01-22. Review status: criteria provided, single submitter. Criteria: ARUP Molecular Germline Variant Investigation Process. Collection method: clinical testing. Allele origin: germline.
Comment: The MYLK c.243G>A; p.Leu81= variant (rs1033918125), to our knowledge, is not reported in the medical literature but is reported in ClinVar (Variation ID: 656389). This variant is found on only two chromosomes (2/251196 alleles) in the Genome Aggregation Database. This is a synonymous variant in a weakly conserved nucleotide, but computational analyses (Alamut v.2.11) predict that this variant may impact splicing by creating a novel cryptic acceptor splice site. However, RNA studies would be required to confirm an effect on splicing. Given the lack of clinical and functional data, the significance of the c.243G>A variant is uncertain at this time.

NM_053025.4(MYLK):c.243G>A (p.Leu81=)

Gene: MYLK (myosin light chain kinase; minus strand). Cytogenetic location: 3q21.1.
Variant type: single nucleotide variant.
Coding change: c.243G>A on transcript NM_053025.4 (MANE Select); coding-DNA position 243, G replaced by A.
Protein change: p.Leu81=; no amino-acid change (leucine 81 retained).
Molecular consequence: synonymous variant. On other transcripts: intron variant (1).
Genome position (GRCh38, 1-based): chr3:123,752,461, C>T on the plus strand (G>A on the coding strand, the complement: MYLK is on the minus strand). VCF-style: chr3-123752461-C-T. GRCh37 (hg19) VCF-style: chr3-123471308-C-T.
Other names: c.243G>A, p.Leu81= (NM_053026.4, NM_053027.4, NM_053028.4); c.-155-12460G>A (NM_001321309.2).
Identifiers: ClinVar variation 656389 (VCV000656389.18), dbSNP rs1033918125, ClinGen allele CA82953112.